The following is an entry in ClinVar:

ClinVar aggregate classification (germline): Uncertain significance (1 of 4 stars; one submission).

Conditions:
Hereditary cancer-predisposing syndrome. Also called: Neoplastic Syndromes, Hereditary; Tumor predisposition; Hereditary neoplastic syndrome; Hereditary Cancer Syndrome. Identifiers: Orphanet 140162, MedGen C0027672, MeSH D009386, MONDO:0015356.

Submission:

Ambry Genetics
Classification: Uncertain significance for Hereditary cancer-predisposing syndrome. Last evaluated: 2023-11-28. Review status: criteria provided, single submitter. Criteria: Ambry Variant Classification Scheme 2023. Collection method: clinical testing. Allele origin: germline.
Comment: The p.P436T variant (also known as c.1306C>A), located in coding exon 14 of the CDC73 gene, results from a C to A substitution at nucleotide position 1306. The proline at codon 436 is replaced by threonine, an amino acid with highly similar properties. This amino acid position is conserved. In addition, the in silico prediction for this alteration is inconclusive. Since supporting evidence is limited at this time, the clinical significance of this alteration remains unclear.

NM_024529.5(CDC73):c.1306C>A (p.Pro436Thr)

Gene: CDC73 (cell division cycle 73; plus strand). Cytogenetic location: 1q31.2.
Variant type: single nucleotide variant.
Coding change: c.1306C>A on transcript NM_024529.5 (MANE Select); coding-DNA position 1306, C replaced by A.
Protein change: p.Pro436Thr; replaces proline 436 with threonine.
Molecular consequence: missense variant.
Genome position (GRCh38, 1-based): chr1:193,233,144, C>A. VCF-style: chr1-193233144-C-A. GRCh37 (hg19) VCF-style: chr1-193202274-C-A.
Other names: short protein forms P436T.
Identifiers: ClinVar variation 3227856 (VCV003227856.1), dbSNP rs2102058465, ClinGen allele CA344078051.